The following is an entry in ClinVar:

NM_000092.5(COL4A4):c.2549C>T (p.Ala850Val)

Gene: COL4A4 (collagen type IV alpha 4 chain; minus strand). Cytogenetic location: 2q36.3.
Variant type: single nucleotide variant.
Coding change: c.2549C>T on transcript NM_000092.5 (MANE Select); coding-DNA position 2549, C replaced by T.
Protein change: p.Ala850Val; replaces alanine 850 with valine.
Molecular consequence: missense variant.
Genome position (GRCh38, 1-based): chr2:227,056,112, G>A on the plus strand (C>T on the coding strand, the complement: COL4A4 is on the minus strand). VCF-style: chr2-227056112-G-A. GRCh37 (hg19) VCF-style: chr2-227920828-G-A.
Other names: short protein forms A850V.
Identifiers: ClinVar variation 397602 (VCV000397602.11), dbSNP rs758199486, ClinGen allele CA2144773.
Genomic context (GRCh38, chr2:227,056,112, plus strand): 5'-CCTTTCATTCCAGCTGGCCCGGGAGGCCCCACATCTCCCGGCTGTCCTTTCCCACCTGGA[G>A]CACCTAAGACAAACCACAGTGACCACAGTGTGTGAAGGCTGAACACTGGCTTCACACACA-3'
Protein context (NP_000083.3, residues 840-860): GLPGYPGSPG[Ala850Val]PGGKGQPGDV

ClinVar aggregate classification (germline): Conflicting classifications of pathogenicity. Review status: criteria provided, conflicting classifications (1 of 4 stars). 4 submissions from 4 submitters: Uncertain significance (2); Likely benign (1). 1 of the submissions does not count toward it. Last evaluated 2025-04-14.

Conditions:
Inborn genetic diseases. Identifiers: MedGen C0950123, MeSH D030342.
Autosomal dominant Alport syndrome (ATS3A). Also called: ALPORT SYNDROME 3A, AUTOSOMAL DOMINANT; Alport syndrome dominant type; Renal failure and sensorineural hearing loss. Identifiers: Orphanet 63, Orphanet 88918, MedGen C5882663, MONDO:0007086, OMIM 104200.

Allele frequency attached by ClinVar (database versions not stated): gnomAD 0.00001; gnomAD exomes 0.00001 and 0.00004; TOPMed 0.00001; ExAC 0.00002.
gnomAD v4.1: 14 of 1,613,898 alleles (0.00087%); highest among the groups gnomAD compares: East Asian, 0.029%; no homozygotes.

Submissions (4):

Ambry Genetics
Classification: Uncertain significance for Inborn genetic diseases. Last evaluated: 2025-04-14. Review status: criteria provided, single submitter. Criteria: Ambry Variant Classification Scheme 2023. Collection method: clinical testing. Allele origin: germline.

Labcorp Genetics (formerly Invitae), Labcorp
Classification: Likely benign. Last evaluated: 2024-06-03. Review status: criteria provided, single submitter. Criteria: Invitae Variant Classification Sherloc (09022015). Collection method: clinical testing. Allele origin: germline.

GeneDx
Classification: Uncertain significance. Last evaluated: 2019-12-02. Review status: criteria provided, single submitter. Criteria: GeneDx Variant Classification Process June 2021. Collection method: clinical testing. Allele origin: germline. Affected: yes.
Comment: In silico analysis, which includes protein predictors and evolutionary conservation, supports that this variant does not alter protein structure/function; Has not been previously published as pathogenic or benign to our knowledge

Bioscientia Institut fuer Medizinische Diagnostik GmbH, Sonic Healthcare
Classification: Uncertain significance for Autosomal dominant Alport syndrome. Review status: no assertion criteria provided. Collection method: clinical testing. Allele origin: germline. Affected: yes. Not counted in ClinVar's aggregate classification.